The following is an entry in ClinVar:

NM_004092.4(ECHS1):c.688G>A (p.Ala230Thr)

Gene: ECHS1 (enoyl-CoA hydratase, short chain 1; minus strand). Cytogenetic location: 10q26.3.
Variant type: single nucleotide variant.
Coding change: c.688G>A on transcript NM_004092.4 (MANE Select); coding-DNA position 688, G replaced by A.
Protein change: p.Ala230Thr; replaces alanine 230 with threonine.
Molecular consequence: missense variant.
Genome position (GRCh38, 1-based): chr10:133,366,027, C>T on the plus strand (G>A on the coding strand, the complement: ECHS1 is on the minus strand). VCF-style: chr10-133366027-C-T. GRCh37 (hg19) VCF-style: chr10-135179531-C-T.
Other names: short protein forms A230T.
Identifiers: ClinVar variation 986370 (VCV000986370.2), dbSNP rs201621364, ClinGen allele CA378818704.

ClinVar aggregate classification (germline): Uncertain significance. Review status: criteria provided, multiple submitters, no conflicts (2 of 4 stars). 2 submissions from 2 submitters: Uncertain significance (2). Last evaluated 2026-01-23.

Conditions:
Mitochondrial short-chain Enoyl-Coa hydratase 1 deficiency. Also called: ECHS1 deficiency; PxMD-ECHS1; Mitochondrial Short-Chain Enoyl-CoA Hydratase Deficiency. Identifiers: Orphanet 255241, Orphanet 653880, MedGen C4225391, MONDO:0014563, OMIM 616277.

Submissions (2):

3billion
Classification: Uncertain significance for Mitochondrial short-chain Enoyl-Coa hydratase 1 deficiency. Last evaluated: 2026-01-23. Review status: criteria provided, single submitter. Criteria: ACMG Guidelines, 2015. Collection method: clinical testing. Allele origin: germline. Affected: yes.
Comment: The variant is not observed in the gnomAD v4.1.0 dataset. Predicted Consequence/Location: Missense variant In silico tool predictions suggest damaging effect of the variant on gene or gene product [3Cnet: 0.81 (> 0.75, sensitivity 0.96 and precision 0.92)]. The variant has been reported as of uncertain significance (ClinVar ID: VCV000986370). Different missense changes at the same codon have been reported as of uncertain significance (ClinVar ID: VCV001444029). Therefore, this variant is classified as VUS according to the recommendation of ACMG/AMP guideline.

Broad Center for Mendelian Genomics, Broad Institute of MIT and Harvard
Classification: Uncertain significance for Mitochondrial short-chain Enoyl-Coa hydratase 1 deficiency. Last evaluated: 2020-11-16. Review status: criteria provided, single submitter. Criteria: ACMG Guidelines, 2015. Collection method: curation. Allele origin: germline. Inheritance: Autosomal recessive inheritance.
Comment: The variant has not been previously reported in individuals with mitochondrial short-chain enoyl coa hydratase 1 deficiency and was absent from large population studies. Computational prediction tools and conservation analyses do not provide strong support for or against an impact to the protein. In summary, the clinical significance of the variant is uncertain. ACMG/AMP Criteria applied: PM2 (Richards 2015).